The following is an entry in ClinVar:

ClinVar aggregate classification (germline): Benign/Likely benign. Review status: criteria provided, multiple submitters, no conflicts (2 of 4 stars). 5 submissions from 5 submitters: Benign (1); Likely benign (3). 1 of the submissions does not count toward it. Last evaluated 2026-01-04.

Conditions:
Cardiovascular phenotype. Identifiers: MedGen CN230736.
Duchenne muscular dystrophy (DMD). Also called: MUSCULAR DYSTROPHY, PSEUDOHYPERTROPHIC PROGRESSIVE, DUCHENNE TYPE; Duchenne Muscular Dystrophy (DMD). Identifiers: Orphanet 98896, MedGen C0013264, MONDO:0010679, OMIM 310200.
Becker muscular dystrophy (BMD). Also called: MUSCULAR DYSTROPHY, PSEUDOHYPERTROPHIC PROGRESSIVE, BECKER TYPE; Becker Muscular Dystrophy (BMD). Identifiers: Orphanet 98895, MedGen C0917713, MONDO:0010311, OMIM 300376.
Cardiomyopathy (CMYO). Also called: Cardiomyopathies. Identifiers: Orphanet 167848, MedGen C0878544, MONDO:0004994, HP:0001638. Inheritance: Various modes of inheritance.
Dystrophin deficiency.

Allele frequency attached by ClinVar (database versions not stated): gnomAD exomes 0.00001 and 0.00003; ExAC 0.00003; TOPMed 0.00004; gnomAD 0.00006 and 0.00009; ESP Exome Variant Server 0.00019.
gnomAD v4.1: 17 of 1,209,295 alleles (0.0014%); highest among the groups gnomAD compares: African/African-American, 0.026%; no homozygotes.

Submissions (5):

Labcorp Genetics (formerly Invitae), Labcorp
Classification: Benign for Duchenne muscular dystrophy. Last evaluated: 2026-01-04. Review status: criteria provided, single submitter. Criteria: Invitae Variant Classification Sherloc (09022015). Collection method: clinical testing. Allele origin: germline.

Ambry Genetics
Classification: Likely benign for Cardiovascular phenotype. Last evaluated: 2022-05-02. Review status: criteria provided, single submitter. Criteria: Ambry Variant Classification Scheme 2023. Collection method: clinical testing. Allele origin: germline.

GeneDx
Classification: Likely benign. Last evaluated: 2016-04-28. Review status: criteria provided, single submitter. Criteria: GeneDx Variant Classification (06012015). Collection method: clinical testing. Allele origin: germline. Affected: yes.
Comment: This variant is considered likely benign or benign based on one or more of the following criteria: it is a conservative change, it occurs at a poorly conserved position in the protein, it is predicted to be benign by multiple in silico algorithms, and/or has population frequency not consistent with disease.

Breakthrough Genomics
Classification: Likely benign. Review status: criteria provided, single submitter. Criteria: ACMG Guidelines, 2015. Collection method: not provided. Allele origin: germline. Inheritance: X-linked inheritance. Affected: yes.

Natera, Inc.
Classification: Likely benign for Becker muscular dystrophy; Cardiomyopathy; Duchenne muscular dystrophy; Dystrophin deficiency. Last evaluated: 2020-05-01. Review status: no assertion criteria provided. Collection method: clinical testing. Allele origin: germline. Not counted in ClinVar's aggregate classification.

NM_004006.3(DMD):c.2557T>C (p.Leu853=)

Gene: DMD (dystrophin; minus strand). Cytogenetic location: Xp21.1.
Variant type: single nucleotide variant.
Coding change: c.2557T>C on transcript NM_004006.3 (MANE Select); coding-DNA position 2557, T replaced by C.
Protein change: p.Leu853=; no amino-acid change (leucine 853 retained).
Molecular consequence: synonymous variant.
Genome position (GRCh38, 1-based): chrX:32,491,342, A>G on the plus strand (T>C on the coding strand, the complement: DMD is on the minus strand). VCF-style: chrX-32491342-A-G. GRCh37 (hg19) VCF-style: chrX-32509459-A-G.
Other names: c.2533T>C, p.Leu845= (NM_000109.4); c.2545T>C, p.Leu849= (NM_004009.3); c.2188T>C, p.Leu730= (NM_004010.3).
Identifiers: ClinVar variation 385823 (VCV000385823.14), dbSNP rs150387101, ClinGen allele CA10379495.
Genomic context (GRCh38, chrX:32,491,342, plus strand): 5'-AAATTTTTAACTGACTTTTAATTGCTGTTGGCTCTGATGGGGTGGTGGGTTGGATTTTCA[A>G]CCAGTTTTCAGCAGTAGTTGTCATCTGCTCCAATTGTTGTAGCTGATTATAGAAAGCGAT-3'
Protein context (NP_003997.2, residues 843-863): EQMTTTAENW[Leu853=]KIQPTTPSEP